The following is an entry in ClinVar:

NM_006182.4(DDR2):c.950C>A (p.Ala317Asp)

Gene: DDR2 (discoidin domain receptor tyrosine kinase 2; plus strand). Cytogenetic location: 1q23.3.
Variant type: single nucleotide variant.
Coding change: c.950C>A on transcript NM_006182.4 (MANE Select); coding-DNA position 950, C replaced by A.
Protein change: p.Ala317Asp; replaces alanine 317 with aspartic acid.
Molecular consequence: missense variant.
Genome position (GRCh38, 1-based): chr1:162,761,305, C>A. VCF-style: chr1-162761305-C-A. GRCh37 (hg19) VCF-style: chr1-162731095-C-A.
Other names: c.950C>A, p.Ala317Asp (NM_001014796.3, NM_001354982.2, NM_001354983.2); short protein forms A317D.
Identifiers: ClinVar variation 2073910 (VCV002073910.4), dbSNP rs2524917802, ClinGen allele CA343409423.
Genomic context (GRCh38, chr1:162,761,305, plus strand): 5'-AGATCTTTAAGGAGGTACAGTGCTACTTCCGCTCTGAAGCCAGTGAGTGGGAACCTAATG[C>A]CATTTCCTTCCCCCTTGTCCTGGATGACGTCAACCCCAGTGCTCGGTTTGTCACGGTGCC-3'
Protein context (NP_006173.2, residues 307-327): RSEASEWEPN[Ala317Asp]ISFPLVLDDV

ClinVar aggregate classification (germline): Uncertain significance (1 of 4 stars; one submission).

Allele frequency attached by ClinVar (database versions not stated): gnomAD exomes below 0.00001.
gnomAD v4.1: 1 of 1,614,158 alleles (0.000062%); highest among the groups gnomAD compares: Non-Finnish European, 0.000085%; no homozygotes.

Submission:

Labcorp Genetics (formerly Invitae), Labcorp
Classification: Uncertain significance. Last evaluated: 2022-08-19. Review status: criteria provided, single submitter. Criteria: Invitae Variant Classification Sherloc (09022015). Collection method: clinical testing. Allele origin: germline.
Comment: In summary, the available evidence is currently insufficient to determine the role of this variant in disease. Therefore, it has been classified as a Variant of Uncertain Significance. Algorithms developed to predict the effect of missense changes on protein structure and function are either unavailable or do not agree on the potential impact of this missense change (SIFT: "Deleterious"; PolyPhen-2: "Benign"; Align-GVGD: "Class C0"). This variant has not been reported in the literature in individuals affected with DDR2-related conditions. This variant is not present in population databases (gnomAD no frequency). This sequence change replaces alanine, which is neutral and non-polar, with aspartic acid, which is acidic and polar, at codon 317 of the DDR2 protein (p.Ala317Asp).